The following is an entry in ClinVar:

NM_003791.4(MBTPS1):c.478C>T (p.Arg160Cys)

Gene: MBTPS1 (membrane bound transcription factor peptidase, site 1; minus strand). Cytogenetic location: 16q23.3.
Variant type: single nucleotide variant.
Coding change: c.478C>T on transcript NM_003791.4 (MANE Select); coding-DNA position 478, C replaced by T.
Protein change: p.Arg160Cys; replaces arginine 160 with cysteine.
Molecular consequence: missense variant.
Genome position (GRCh38, 1-based): chr16:84,095,749, G>A on the plus strand (C>T on the coding strand, the complement: MBTPS1 is on the minus strand). VCF-style: chr16-84095749-G-A. GRCh37 (hg19) VCF-style: chr16-84129354-G-A.
Other names: c.478C>T (NM_003791.3); short protein forms R160C.
Identifiers: ClinVar variation 2068406 (VCV002068406.2), dbSNP rs75671195, ClinGen allele CA8201743.
Genomic context (GRCh38, chr16:84,095,749, plus strand): 5'-GCCTTCCCGTAGCATGCCAGAAGCCAGAGCCCAGGGAGAGGCTGGCTCTTCGCAGGGGAC[G>A]TGATGATTGCCACTTCTGGCTCCACCGGGTTTCATTGCAGGGTACTGTGGGGTCAGCTAC-3'
Protein context (NP_003782.1, residues 150-170): TRWSQKWQSS[Arg160Cys]PLRRASLSLG

ClinVar aggregate classification (germline): Uncertain significance. Review status: criteria provided, multiple submitters, no conflicts (2 of 4 stars). 2 submissions from 2 submitters: Uncertain significance (2). Last evaluated 2022-12-23.

Allele frequency attached by ClinVar (database versions not stated): TOPMed 0.00022; gnomAD 0.00027; ExAC 0.00033; 1000 Genomes Project 0.00040; gnomAD exomes 0.00045; 1000 Genomes Project 30x 0.00062; ESP Exome Variant Server 0.00108.
gnomAD v4.1: 703 of 1,614,144 alleles (0.044%); highest among the groups gnomAD compares: Non-Finnish European, 0.054%; 1 homozygote.

Submissions (2):

GeneDx
Classification: Uncertain significance. Last evaluated: 2022-12-23. Review status: criteria provided, single submitter. Criteria: GeneDx Variant Classification Process June 2021. Collection method: clinical testing. Allele origin: germline. Affected: yes.
Comment: In silico analysis supports that this missense variant has a deleterious effect on protein structure/function; Has not been previously published as pathogenic or benign to our knowledge

Labcorp Genetics (formerly Invitae), Labcorp
Classification: Uncertain significance. Last evaluated: 2022-10-01. Review status: criteria provided, single submitter. Criteria: Invitae Variant Classification Sherloc (09022015). Collection method: clinical testing. Allele origin: germline.
Comment: This sequence change replaces arginine, which is basic and polar, with cysteine, which is neutral and slightly polar, at codon 160 of the MBTPS1 protein (p.Arg160Cys). This variant is present in population databases (rs75671195, gnomAD 0.05%). This variant has not been reported in the literature in individuals affected with MBTPS1-related conditions. Algorithms developed to predict the effect of missense changes on protein structure and function are either unavailable or do not agree on the potential impact of this missense change (SIFT: "Deleterious"; PolyPhen-2: "Possibly Damaging"; Align-GVGD: "Class C0"). In summary, the available evidence is currently insufficient to determine the role of this variant in disease. Therefore, it has been classified as a Variant of Uncertain Significance.